The following is an entry in ClinVar:

NM_004984.4(KIF5A):c.1988C>T (p.Ser663Phe)

Gene: KIF5A (kinesin family member 5A; plus strand). Cytogenetic location: 12q13.3.
Variant type: single nucleotide variant.
Coding change: c.1988C>T on transcript NM_004984.4 (MANE Select); coding-DNA position 1988, C replaced by T.
Protein change: p.Ser663Phe; replaces serine 663 with phenylalanine.
Molecular consequence: missense variant.
Genome position (GRCh38, 1-based): chr12:57,575,722, C>T. VCF-style: chr12-57575722-C-T. GRCh37 (hg19) VCF-style: chr12-57969505-C-T.
Other names: c.1721C>T, p.Ser574Phe (NM_001354705.2); short protein forms S574F, S663F.
Identifiers: ClinVar variation 4755924 (VCV004755924.1).

ClinVar aggregate classification (germline): Uncertain significance (1 of 4 stars; one submission).

gnomAD v4.1: 2 of 1,614,134 alleles (0.00012%); highest among the groups gnomAD compares: African/African-American, 0.0013%; no homozygotes.

Submission:

GeneDx
Classification: Uncertain significance. Last evaluated: 2025-08-06. Review status: criteria provided, single submitter. Criteria: GeneDx Variant Classification Process June 2021. Collection method: clinical testing. Allele origin: germline. Affected: yes.
Comment: Not observed at significant frequency in large population cohorts (gnomAD); In silico analysis supports that this missense variant has a deleterious effect on protein structure/function; Has not been previously published as pathogenic or benign to our knowledge